The following is an entry in ClinVar:

ClinVar aggregate classification (germline): Uncertain significance. Review status: criteria provided, multiple submitters, no conflicts (2 of 4 stars). 2 submissions from 2 submitters: Uncertain significance (2). Last evaluated 2025-10-17.

Allele frequency attached by ClinVar (database versions not stated): gnomAD exomes below 0.00001; gnomAD 0.00003 and 0.00004; TOPMed 0.00004.
gnomAD v4.1: 7 of 1,613,990 alleles (0.00043%); highest among the groups gnomAD compares: African/African-American, 0.0093%; no homozygotes.

Submissions (2):

Ambry Genetics
Classification: Uncertain significance. Last evaluated: 2025-10-17. Review status: criteria provided, single submitter. Criteria: Ambry Variant Classification Scheme 2023. Collection method: clinical testing. Allele origin: germline.

Labcorp Genetics (formerly Invitae), Labcorp
Classification: Uncertain significance. Last evaluated: 2022-07-12. Review status: criteria provided, single submitter. Criteria: Invitae Variant Classification Sherloc (09022015). Collection method: clinical testing. Allele origin: germline.
Comment: In summary, the available evidence is currently insufficient to determine the role of this variant in disease. Therefore, it has been classified as a Variant of Uncertain Significance. Algorithms developed to predict the effect of missense changes on protein structure and function are either unavailable or do not agree on the potential impact of this missense change (SIFT: "Deleterious"; PolyPhen-2: "Probably Damaging"; Align-GVGD: "Class C0"). This variant is present in population databases (no rsID available, gnomAD 0.01%). ClinVar contains an entry for this variant (Variation ID: 1463702). This variant has not been reported in the literature in individuals affected with SNIP1-related conditions. This sequence change replaces proline, which is neutral and non-polar, with arginine, which is basic and polar, at codon 224 of the SNIP1 protein (p.Pro224Arg).

NM_024700.4(SNIP1):c.671C>G (p.Pro224Arg)

Genes: SNIP1 (Smad nuclear interacting protein 1; minus strand), LOC126805704 (BRD4-independent group 4 enhancer GRCh37_chr1:38005292-38006491; plus strand). Cytogenetic location: 1p34.3.
Variant type: single nucleotide variant.
Coding change: c.671C>G on transcript NM_024700.4 (MANE Select); coding-DNA position 671, C replaced by G.
Protein change: p.Pro224Arg; replaces proline 224 with arginine.
Molecular consequence: missense variant.
Genome position (GRCh38, 1-based): chr1:37,540,412, G>C on the plus strand (C>G on the coding strand, the complement: SNIP1 is on the minus strand). VCF-style: chr1-37540412-G-C. GRCh37 (hg19) VCF-style: chr1-38006013-G-C.
Other names: c.671C>G (NM_024700.2); short protein forms P224R.
Identifiers: ClinVar variation 1463702 (VCV001463702.9), dbSNP rs1044777325, ClinGen allele CA20808865.